The following is an entry in ClinVar:

ClinVar aggregate classification (germline): Conflicting classifications of pathogenicity. Review status: criteria provided, conflicting classifications (1 of 4 stars). 5 submissions from 5 submitters: Likely pathogenic (1); Uncertain significance (4). Last evaluated 2026-05-28.

Conditions:
Cortical dysplasia-focal epilepsy syndrome (PTHSL1). Also called: Pitt-Hopkins-like syndrome 1. Identifiers: Orphanet 163681, Orphanet 221150, MedGen C2750246, MONDO:0012400, OMIM 610042.
Inborn genetic diseases. Identifiers: MedGen C0950123, MeSH D030342.
Autism, susceptibility to, 15. Also called: Autism susceptibility 15. Identifiers: MedGen C2677504, MONDO:0012801, OMIM 612100.

Allele frequency attached by ClinVar (database versions not stated): gnomAD 0.00005 and 0.00004; TOPMed 0.00005; gnomAD exomes 0.00006; ExAC 0.00005.
gnomAD v4.1: 88 of 1,612,230 alleles (0.0055%); highest among the groups gnomAD compares: East Asian, 0.013%; no homozygotes.

Submissions (5):

Women's Health and Genetics/Laboratory Corporation of America, LabCorp
Classification: Uncertain significance. Last evaluated: 2026-05-28. Review status: criteria provided, single submitter. Criteria: LabCorp Variant Classification Summary - May 2015. Collection method: clinical testing. Allele origin: germline.
Comment: Variant summary: CNTNAP2 c.1634C>T (p.Ala545Val) results in a non-conservative amino acid change in the encoded protein sequence. Algorithms developed to predict the effect of missense changes on protein structure and function are either unavailable or do not agree on the potential impact of this missense change. The variant allele was found at a frequency of 5.6e-05 in 250854 control chromosomes. This frequency is not significantly higher than estimated for disease-causing variants in CNTNAP2, allowing no conclusion about variant significance. To our knowledge, no occurrence of c.1634C>T in individuals affected with CNTNAP2-related conditions and no experimental evidence demonstrating its impact on protein function have been reported. ClinVar contains an entry for this variant (Variation ID: 536331). Based on the evidence outlined above, the variant was classified as uncertain significance.

GeneDx
Classification: Uncertain significance. Last evaluated: 2023-10-04. Review status: criteria provided, single submitter. Criteria: GeneDx Variant Classification Process June 2021. Collection method: clinical testing. Allele origin: germline. Affected: yes.
Comment: In silico analysis supports that this missense variant has a deleterious effect on protein structure/function; This variant is associated with the following publications: (PMID: 37543562, 32381728)

Labcorp Genetics (formerly Invitae), Labcorp
Classification: Uncertain significance for Cortical dysplasia-focal epilepsy syndrome. Last evaluated: 2022-08-21. Review status: criteria provided, single submitter. Criteria: Invitae Variant Classification Sherloc (09022015). Collection method: clinical testing. Allele origin: germline.
Comment: This sequence change replaces alanine, which is neutral and non-polar, with valine, which is neutral and non-polar, at codon 545 of the CNTNAP2 protein (p.Ala545Val). This variant is present in population databases (rs771772546, gnomAD 0.03%). This variant has not been reported in the literature in individuals affected with CNTNAP2-related conditions. ClinVar contains an entry for this variant (Variation ID: 536331). Algorithms developed to predict the effect of missense changes on protein structure and function (SIFT, PolyPhen-2, Align-GVGD) all suggest that this variant is likely to be tolerated. In summary, the available evidence is currently insufficient to determine the role of this variant in disease. Therefore, it has been classified as a Variant of Uncertain Significance.

Foundation for Research in Genetics and Endocrinology, FRIGE's Institute of Human Genetics
Classification: Likely pathogenic for Autism, susceptibility to, 15. Last evaluated: 2021-05-11. Review status: criteria provided, single submitter. Criteria: ACMG Guidelines, 2015. Collection method: research. Allele origin: de novo. Inheritance: Autosomal dominant inheritance. Affected: yes. Observed: 1 heterozygote.
Comment: A heterozygous missense variation in exon 10 of the CNTNAP2 gene that results in the amino acid substitution of Valine for Alanine at codon 545 was detected. The observed variant c.1634C>T (p.Val545Ala) has not been reported in the 1000 genomes but has a minor allele frequency of 0.006% in the gnomAD databases. The in silico prediction of the variant are damaging by SIFT, LRT and MutationTaster2. The reference codon is conserved across species. Segregation analysis showed the variant to be de novo in origin. In summary, the variant meets our criteria to be classified as a likely pathogenic variant.

Ambry Genetics
Classification: Uncertain significance for Inborn genetic diseases. Last evaluated: 2017-12-18. Review status: criteria provided, single submitter. Criteria: Ambry Variant Classification Scheme 2023. Collection method: clinical testing. Allele origin: germline.
Comment: The p.A545V variant (also known as c.1634C>T), located in coding exon 10 of the CNTNAP2 gene, results from a C to T substitution at nucleotide position 1634. The alanine at codon 545 is replaced by valine, an amino acid with similar properties. This amino acid position is well conserved in available vertebrate species. In addition, this alteration is predicted to be tolerated by in silico analysis. Since supporting evidence is limited at this time, the clinical significance of this alteration remains unclear.

NM_014141.6(CNTNAP2):c.1634C>T (p.Ala545Val)

Gene: CNTNAP2 (contactin associated protein 2; plus strand). Cytogenetic location: 7q35.
Variant type: single nucleotide variant.
Coding change: c.1634C>T on transcript NM_014141.6 (MANE Select); coding-DNA position 1634, C replaced by T.
Protein change: p.Ala545Val; replaces alanine 545 with valine.
Molecular consequence: missense variant.
Genome position (GRCh38, 1-based): chr7:147,395,744, C>T. VCF-style: chr7-147395744-C-T. GRCh37 (hg19) VCF-style: chr7-147092836-C-T.
Other names: p.Val545Ala; short protein forms A545V.
Identifiers: ClinVar variation 536331 (VCV000536331.15), dbSNP rs771772546, ClinGen allele CA4546129.